The following is an entry in ClinVar:

NM_153365.3(TAPT1):c.763C>T (p.Leu255Phe)

Gene: TAPT1 (transmembrane anterior posterior transformation 1; minus strand). Cytogenetic location: 4p15.32.
Variant type: single nucleotide variant.
Coding change: c.763C>T on transcript NM_153365.3 (MANE Select); coding-DNA position 763, C replaced by T.
Protein change: p.Leu255Phe; replaces leucine 255 with phenylalanine.
Molecular consequence: missense variant.
Genome position (GRCh38, 1-based): chr4:16,186,864, G>A on the plus strand (C>T on the coding strand, the complement: TAPT1 is on the minus strand). VCF-style: chr4-16186864-G-A. GRCh37 (hg19) VCF-style: chr4-16188487-G-A.
Other names: c.763C>T (NM_153365.2); short protein forms L255F.
Identifiers: ClinVar variation 1573157 (VCV001573157.10), dbSNP rs370968275, ClinGen allele CA2867440.

ClinVar aggregate classification (germline): Conflicting classifications of pathogenicity. Review status: criteria provided, conflicting classifications (1 of 4 stars). 3 submissions from 3 submitters: Uncertain significance (1); Likely benign (2). Last evaluated 2025-08-07.

Conditions:
Inborn genetic diseases. Identifiers: MedGen C0950123, MeSH D030342.
TAPT1-related disorder. Also called: TAPT1-related condition.

Allele frequency attached by ClinVar (database versions not stated): gnomAD 0.00011 and 0.00029; TOPMed 0.00018; ESP Exome Variant Server 0.00026; gnomAD exomes 0.00036 and 0.00061; ExAC 0.00076; 1000 Genomes Project 30x 0.00094; 1000 Genomes Project 0.00120.
gnomAD v4.1: 566 of 1,608,822 alleles (0.035%); highest among the groups gnomAD compares: South Asian, 0.38%; 3 homozygotes.

Submissions (3):

Labcorp Genetics (formerly Invitae), Labcorp
Classification: Likely benign. Last evaluated: 2025-08-07. Review status: criteria provided, single submitter. Criteria: Invitae Variant Classification Sherloc (09022015). Collection method: clinical testing. Allele origin: germline.

PreventionGenetics, part of Exact Sciences
Classification: Likely benign for TAPT1-related condition. Last evaluated: 2025-06-08. Review status: criteria provided, single submitter. Criteria: ACMG Guidelines, 2015. Collection method: clinical testing. Allele origin: germline.
Comment: This variant is classified as likely benign based on ACMG/AMP sequence variant interpretation guidelines (Richards et al. 2015 PMID: 25741868, with internal and published modifications).

Ambry Genetics
Classification: Uncertain significance for Inborn genetic diseases. Last evaluated: 2024-12-16. Review status: criteria provided, single submitter. Criteria: Ambry Variant Classification Scheme 2023. Collection method: clinical testing. Allele origin: germline.